The following is an entry in ClinVar:

NM_004714.3(DYRK1B):c.1536G>A (p.Pro512=)

Gene: DYRK1B (dual specificity tyrosine phosphorylation regulated kinase 1B; minus strand). Cytogenetic location: 19q13.2.
Variant type: single nucleotide variant.
Coding change: c.1536G>A on transcript NM_004714.3 (MANE Select); coding-DNA position 1536, G replaced by A.
Protein change: p.Pro512=; no amino-acid change (proline 512 retained).
Molecular consequence: synonymous variant.
Genome position (GRCh38, 1-based): chr19:39,826,069, C>T on the plus strand (G>A on the coding strand, the complement: DYRK1B is on the minus strand). VCF-style: chr19-39826069-C-T. GRCh37 (hg19) VCF-style: chr19-40316709-C-T.
Other names: c.1416G>A, p.Pro472= (NM_006483.3); c.1452G>A, p.Pro484= (NM_006484.3).
Identifiers: ClinVar variation 4993662 (VCV004993662.1).
Genomic context (GRCh38, chr19:39,826,069, plus strand): 5'-GGCAGAGGCAGGGGCTTGATGTGTCTTGTGGGGCACATCACCCCCTGCCCAGGGCCGCAG[C>T]GGCTGGGAGGGTGGGACCTAAAAAAGCAAAGGAGCCATGGGTGATGGAGACCCTGGTCTC-3'
Protein context (NP_004705.1, residues 502-522): MNSPQVPPSQ[Pro512=]LRPWAGGDVP

ClinVar aggregate classification (germline): Likely benign (1 of 4 stars; one submission).

Conditions:
DYRK1B-related disorder. Also called: DYRK1B-related condition.

gnomAD v4.1: 105 of 1,519,682 alleles (0.0069%); highest among the groups gnomAD compares: African/African-American, 0.0098%; no homozygotes.

Submission:

PreventionGenetics, part of Exact Sciences
Classification: Likely benign for DYRK1B-related condition. Last evaluated: 2026-09-04. Review status: criteria provided, single submitter. Criteria: ACMG Guidelines, 2015. Collection method: clinical testing. Allele origin: germline.
Comment: This variant is classified as likely benign based on ACMG/AMP sequence variant interpretation guidelines (Richards et al. 2015 PMID: 25741868, with internal and published modifications).